The following is an entry in ClinVar:

ClinVar aggregate classification (germline): Likely benign (1 of 4 stars; one submission).

Allele frequency attached by ClinVar (database versions not stated): 1000 Genomes Project 30x 0.00016.

Submission:

CeGaT Center for Human Genetics Tuebingen
Classification: Likely benign. Last evaluated: 2023-10-01. Review status: criteria provided, single submitter. Criteria: CeGaT Center For Human Genetics Tuebingen Variant Classification Criteria Version 2. Collection method: clinical testing. Allele origin: germline. Affected: yes. Observed: 1 variant allele.
Comment: STAP2: BP4, BP7

NM_001013841.2(STAP2):c.1073-44C>A

Gene: STAP2 (signal transducing adaptor family member 2; minus strand). Cytogenetic location: 19p13.3.
Variant type: single nucleotide variant.
Coding change: c.1073-44C>A on transcript NM_001013841.2 (MANE Select); 44 bases into the intron before coding-DNA position 1073, C replaced by A.
Molecular consequence: intron variant. On other transcripts: synonymous variant (1).
Genome position (GRCh38, 1-based): chr19:4,324,573, G>T on the plus strand (C>A on the coding strand, the complement: STAP2 is on the minus strand). VCF-style: chr19-4324573-G-T. GRCh37 (hg19) VCF-style: chr19-4324570-G-T.
Other names: c.1167C>A, p.Thr389= (NM_017720.3).
Identifiers: ClinVar variation 2649034 (VCV002649034.24), dbSNP rs777607636, ClinGen allele CA505165744.
Genomic context (GRCh38, chr19:4,324,573, plus strand): 5'-ATTAAAGACTTTGGGCTCTGGAAGAGAAGACAGATGAGGCCAGGTGTGGTGGCTCACGCC[G>T]GTAATCCCAGCACTTTGGGAGGCTGAGGTGGGTGGATCACTTGAGGTCAGGAGTTCGAGA-3'